The following is an entry in ClinVar:

NM_000548.5(TSC2):c.3021C>T (p.Ser1007=)

Gene: TSC2 (TSC complex subunit 2; plus strand). Cytogenetic location: 16p13.3.
Variant type: single nucleotide variant.
Coding change: c.3021C>T on transcript NM_000548.5 (MANE Select); coding-DNA position 3021, C replaced by T.
Protein change: p.Ser1007=; no amino-acid change (serine 1007 retained).
Molecular consequence: synonymous variant.
Genome position (GRCh38, 1-based): chr16:2,079,086, C>T. VCF-style: chr16-2079086-C-T. GRCh37 (hg19) VCF-style: chr16-2129087-C-T.
Other names: c.2889C>T, p.Ser963= (NM_001077183.3, NM_001370404.1); c.3021C>T, p.Ser1007= (NM_001114382.3); c.2781C>T, p.Ser927= (NM_001318827.2); c.2745C>T, p.Ser915= (NM_001318829.2); c.2289C>T, p.Ser763= (NM_001318831.2); c.2922C>T, p.Ser974= (NM_001318832.2); c.2892C>T, p.Ser964= (NM_001363528.2, NM_001370405.1, NM_021055.3); c.3021C>T (NM_000548.4).
Identifiers: ClinVar variation 536076 (VCV000536076.24), dbSNP rs201516931, ClinGen allele CA043963.

ClinVar aggregate classification (germline): Benign/Likely benign. Review status: criteria provided, multiple submitters, no conflicts (2 of 4 stars). 7 submissions from 7 submitters: Benign (2); Likely benign (5). Last evaluated 2026-05-15.

Conditions:
Tuberous sclerosis syndrome (TSC). Also called: Tuberous Sclerosis Complex; Tuberous sclerosis. Identifiers: Orphanet 805, MedGen C0041341, MONDO:0001734.
TSC2-related disorder. Also called: TSC2-related condition; TSC2-Related Disorders.
Tuberous sclerosis 2 (TSC2). Identifiers: Orphanet 805, MedGen C1860707, MONDO:0013199, OMIM 613254.
Hereditary cancer-predisposing syndrome. Also called: Tumor predisposition; Hereditary neoplastic syndrome; Neoplastic Syndromes, Hereditary; Hereditary Cancer Syndrome. Identifiers: Orphanet 140162, MedGen C0027672, MeSH D009386, MONDO:0015356.

Allele frequency attached by ClinVar (database versions not stated): 1000 Genomes Project 30x 0.00016; 1000 Genomes Project 0.00020; ExAC 0.00001; gnomAD 0.00001; gnomAD exomes 0.00001; TOPMed 0.00001.
gnomAD v4.1: 17 of 1,612,998 alleles (0.0011%); highest among the groups gnomAD compares: East Asian, 0.0067%; no homozygotes.

Submissions (7):

PreventionGenetics, part of Exact Sciences
Classification: Likely benign for TSC2-related condition. Last evaluated: 2026-05-15. Review status: criteria provided, single submitter. Criteria: ACMG Guidelines, 2015. Collection method: clinical testing. Allele origin: germline.
Comment: This variant is classified as likely benign based on ACMG/AMP sequence variant interpretation guidelines (Richards et al. 2015 PMID: 25741868, with internal and published modifications).

Labcorp Genetics (formerly Invitae), Labcorp
Classification: Likely benign for Tuberous sclerosis 2. Last evaluated: 2025-12-24. Review status: criteria provided, single submitter. Criteria: Invitae Variant Classification Sherloc (09022015). Collection method: clinical testing. Allele origin: germline.

Myriad Genetics, Inc.
Classification: Benign for Tuberous sclerosis 2. Last evaluated: 2025-05-27. Review status: criteria provided, single submitter. Criteria: Myriad Autosomal Dominant, Autosomal Recessive and X-Linked Classification Criteria (2023). Collection method: clinical testing. Allele origin: unknown.
Comment: This variant is considered benign. This variant is a silent/synonymous amino acid change and it is not expected to impact splicing.

All of Us Research Program, National Institutes of Health
Classification: Likely benign for Tuberous sclerosis syndrome. Last evaluated: 2024-09-16. Review status: criteria provided, single submitter. Criteria: ACMG Guidelines, 2015. Collection method: clinical testing. Allele origin: germline. Inheritance: Autosomal dominant inheritance. Observed: 6 variant alleles, 6 heterozygotes.
Comment: This study involves interpretation of variants in research participants for the purpose of population health screening. Participant phenotype was not available at the time of variant classification. Additional details can be found in publication PMID: 35346344, PMCID: PMC8962531

Color Diagnostics, LLC DBA Color Health
Classification: Likely benign for Tuberous sclerosis syndrome. Last evaluated: 2022-09-28. Review status: criteria provided, single submitter. Criteria: ACMG Guidelines, 2015. Collection method: clinical testing. Allele origin: germline.

Genome-Nilou Lab
Classification: Benign for Tuberous sclerosis 2. Last evaluated: 2021-11-07. Review status: criteria provided, single submitter. Criteria: ACMG Guidelines, 2015. Collection method: clinical testing. Allele origin: germline. Affected: no.

Ambry Genetics
Classification: Likely benign for Hereditary cancer-predisposing syndrome. Last evaluated: 2019-05-06. Review status: criteria provided, single submitter. Criteria: Ambry Variant Classification Scheme 2023. Collection method: clinical testing. Allele origin: germline.